The following is an entry in ClinVar:

ClinVar aggregate classification (germline): Uncertain significance. Review status: criteria provided, multiple submitters, no conflicts (2 of 4 stars). 3 submissions from 3 submitters: Uncertain significance (2). 1 of the submissions does not count toward it. Last evaluated 2024-06-01.

Conditions:
Growth delay due to insulin-like growth factor I resistance. Also called: Insulin-Like Growth Factor I Resistance; Somatomedin end-organ insensitivity to; Somatomedin-c resistance to; IGF-1 resistance; IGF-I RESISTANCE. Identifiers: Orphanet 73273, MedGen C1849157, MONDO:0010038, OMIM 270450.

Submissions (3):

CeGaT Center for Human Genetics Tuebingen
Classification: Uncertain significance. Last evaluated: 2024-06-01. Review status: criteria provided, single submitter. Criteria: CeGaT Center For Human Genetics Tuebingen Variant Classification Criteria Version 2. Collection method: clinical testing. Allele origin: germline. Affected: yes. Observed: 3 variant alleles.
Comment: IGF1R: PM2, PM3:Supporting, PP3

Juno Genomics, Hangzhou Juno Genomics, Inc
Classification: Uncertain significance for Growth delay due to insulin-like growth factor I resistance. Review status: criteria provided, single submitter. Criteria: ACMG Guidelines, 2015. Collection method: clinical testing. Allele origin: germline. Affected: yes.
Comment: Absent from controls (or at extremely low frequency if recessive) in Genome Aggregation Database, Exome Sequencing Project, 1000 Genomes Project, or Exome Aggregation Consortium.;Multiple lines of computational evidence support a deleterious effect on the gene or gene product (conservation, evolutionary, splicing impact, etc).;Missense variant in a gene that has a low rate of benign missense variation and where missense variants are a common mechanism of disease.

Beijing Key Laboratory for Genetic Research of Skeletal Deformity, Peking Union Medical College Hospital
Classification: Likely pathogenic for Growth delay due to insulin-like growth factor I resistance. Last evaluated: 2019-05-31. Review status: no assertion criteria provided. Collection method: research. Allele origin: de novo. Affected: yes. Not counted in ClinVar's aggregate classification.

NM_000875.5(IGF1R):c.1732G>A (p.Ala578Thr)

Gene: IGF1R (insulin like growth factor 1 receptor; plus strand). Cytogenetic location: 15q26.3.
Variant type: single nucleotide variant.
Coding change: c.1732G>A on transcript NM_000875.5 (MANE Select); coding-DNA position 1732, G replaced by A.
Protein change: p.Ala578Thr; replaces alanine 578 with threonine.
Molecular consequence: missense variant.
Genome position (GRCh38, 1-based): chr15:98,913,186, G>A. VCF-style: chr15-98913186-G-A. GRCh37 (hg19) VCF-style: chr15-99456415-G-A.
Other names: c.1732G>A, p.Ala578Thr (NM_001291858.2); short protein forms A578T.
Identifiers: ClinVar variation 998001 (VCV000998001.21), dbSNP rs2015098252, ClinGen allele CA393679097.